The following is an entry in ClinVar:

ClinVar aggregate classification (germline): Uncertain significance (1 of 4 stars; one submission).

Allele frequency attached by ClinVar (database versions not stated): gnomAD exomes below 0.00001; TOPMed below 0.00001.
gnomAD v4.1: 2 of 1,614,090 alleles (0.00012%); highest among the groups gnomAD compares: Admixed American, 0.0033%; no homozygotes.

Submission:

Labcorp Genetics (formerly Invitae), Labcorp
Classification: Uncertain significance. Last evaluated: 2025-07-23. Review status: criteria provided, single submitter. Criteria: Invitae Variant Classification Sherloc (09022015). Collection method: clinical testing. Allele origin: germline.
Comment: This sequence change replaces serine, which is neutral and polar, with glycine, which is neutral and non-polar, at codon 794 of the ALPK1 protein (p.Ser794Gly). This variant is present in population databases (no rsID available, gnomAD 0.003%). This variant has not been reported in the literature in individuals affected with ALPK1-related conditions. ClinVar contains an entry for this variant (Variation ID: 1933530). Invitae Evidence Modeling of protein sequence and biophysical properties (such as structural, functional, and spatial information, amino acid conservation, physicochemical variation, residue mobility, and thermodynamic stability) indicates that this missense variant is not expected to disrupt ALPK1 protein function with a negative predictive value of 80%. In summary, the available evidence is currently insufficient to determine the role of this variant in disease. Therefore, it has been classified as a Variant of Uncertain Significance.

NM_025144.4(ALPK1):c.2380A>G (p.Ser794Gly)

Gene: ALPK1 (alpha kinase 1; plus strand). Cytogenetic location: 4q25.
Variant type: single nucleotide variant.
Coding change: c.2380A>G on transcript NM_025144.4 (MANE Select); coding-DNA position 2380, A replaced by G.
Protein change: p.Ser794Gly; replaces serine 794 with glycine.
Molecular consequence: missense variant.
Genome position (GRCh38, 1-based): chr4:112,431,927, A>G. VCF-style: chr4-112431927-A-G. GRCh37 (hg19) VCF-style: chr4-113353083-A-G.
Other names: c.2380A>G, p.Ser794Gly (NM_001102406.2); c.2146A>G, p.Ser716Gly (NM_001253884.2); short protein forms S716G, S794G.
Identifiers: ClinVar variation 1933530 (VCV001933530.5), dbSNP rs1467141335, ClinGen allele CA357899380.